The following is an entry in ClinVar:

NM_012433.4(SF3B1):c.1998G>C (p.Lys666Asn)

Gene: SF3B1 (splicing factor 3b subunit 1; minus strand). Cytogenetic location: 2q33.1.
Variant type: single nucleotide variant.
Coding change: c.1998G>C on transcript NM_012433.4 (MANE Select); coding-DNA position 1998, G replaced by C.
Protein change: p.Lys666Asn; replaces lysine 666 with asparagine.
Molecular consequence: missense variant.
Genome position (GRCh38, 1-based): chr2:197,402,635, C>G on the plus strand (G>C on the coding strand, the complement: SF3B1 is on the minus strand). VCF-style: chr2-197402635-C-G. GRCh37 (hg19) VCF-style: chr2-198267359-C-G.
Other names: short protein forms K666N.
Identifiers: ClinVar variation 376005 (VCV000376005.3), dbSNP rs377023736, ClinGen allele CA2042625.

ClinVar aggregate classification (germline): Likely pathogenic. Review status: criteria provided, single submitter (1 of 4 stars). 2 submissions from 2 submitters: Likely pathogenic (1). 1 of the submissions does not count toward it. Last evaluated 2023-07-17.

Conditions:
Acute myeloid leukemia (AML). Also called: Leukemia, acute myeloid, somatic; Leukemia, acute myelogenous, somatic; Acute myeloid leukemia, adult; AML adult; Acute non-lymphocytic leukemia; Acute granulocytic leukemia. Identifiers: Orphanet 519, MedGen C0023467, MeSH D015470, MONDO:0018874, OMIM 601626, HP:0004808. Disease mechanism: Constitutively activated FLT3.
Myelodysplastic syndrome (MDS). Also called: MYELODYSPLASTIC SYNDROME, SUSCEPTIBILITY TO; Myelodysplastic syndrome, somatic; Myelodysplastic syndromes. Identifiers: Orphanet 52688, MedGen C3463824, MeSH D009190, MONDO:0018881, OMIM 614286.

Allele frequency attached by ClinVar (database versions not stated): ESP Exome Variant Server 0.00008.
gnomAD v4.1: 33 of 1,613,824 alleles (0.002%); highest among the groups gnomAD compares: Admixed American, 0.0033%; no homozygotes.

Submissions (2):

3billion
Classification: Likely pathogenic for Myelodysplastic syndrome. Last evaluated: 2023-07-17. Review status: criteria provided, single submitter. Criteria: ACMG Guidelines, 2015. Collection method: clinical testing. Allele origin: germline. Affected: yes.
Comment: It is observed in the gnomAD v2.1.1 dataset at total allele frequency of 0.004%. Predicted Consequence/Location: Missense changes are a common disease-causing mechanism. In silico tool predictions suggest damaging effect of the variant on gene or gene product (REVEL: 0.51; 3Cnet: 0.99). Different nucleotide change resulting in same amino acid change has been previously reported as pathogenic/likely pathogenic with strong evidence (ClinVar ID: VCV000219098). Different missense changes at the same codon (p.Lys666Arg, p.Lys666Gln, p.Lys666Glu, p.Lys666Thr) have been reported to be associated with SF3B1 related disorder (ClinVar ID: VCV000376006, VCV000376007, VCV000376008, VCV000376532). Therefore, this variant is classified as Likely pathogenic according to the recommendation of ACMG/AMP guideline.

Sung Lab, Department of Medicine, Roswell Park Comprehensive Cancer Center
Classification: Pathogenic for Acute myeloid leukemia. Last evaluated: 2023-06-08. Review status: no assertion criteria provided. Collection method: clinical testing. Allele origin: somatic. Affected: yes. Not counted in ClinVar's aggregate classification.